The following is an entry in ClinVar:

NM_001354930.2(RIPK1):c.1046T>G (p.Leu349Arg)

Gene: RIPK1 (receptor interacting serine/threonine kinase 1; plus strand). Cytogenetic location: 6p25.2.
Variant type: single nucleotide variant.
Coding change: c.1046T>G on transcript NM_001354930.2 (MANE Select); coding-DNA position 1046, T replaced by G.
Protein change: p.Leu349Arg; replaces leucine 349 with arginine.
Molecular consequence: missense variant.
Genome position (GRCh38, 1-based): chr6:3,105,521, T>G. VCF-style: chr6-3105521-T-G. GRCh37 (hg19) VCF-style: chr6-3105755-T-G.
Other names: c.1046T>G (NM_003804.3); c.557T>G, p.Leu186Arg (NM_001317061.3, NM_001354932.2, NM_001354933.2 and 1 more transcripts); c.908T>G, p.Leu303Arg (NM_001354931.2); c.1046T>G, p.Leu349Arg (NM_003804.6); short protein forms L186R, L349R, L303R.
Identifiers: ClinVar variation 1376892 (VCV001376892.7), dbSNP rs561115645, ClinGen allele CA362570675.

ClinVar aggregate classification (germline): Uncertain significance. Review status: criteria provided, multiple submitters, no conflicts (2 of 4 stars). 2 submissions from 2 submitters: Uncertain significance (2). Last evaluated 2025-12-29.

Conditions:
Inborn genetic diseases. Identifiers: MedGen C0950123, MeSH D030342.

gnomAD v4.1: 5 of 1,586,352 alleles (0.00032%); highest among the groups gnomAD compares: African/African-American, 0.0014%; no homozygotes.

Submissions (2):

Labcorp Genetics (formerly Invitae), Labcorp
Classification: Uncertain significance. Last evaluated: 2025-12-29. Review status: criteria provided, single submitter. Criteria: Invitae Variant Classification Sherloc (09022015). Collection method: clinical testing. Allele origin: germline.
Comment: This sequence change replaces leucine, which is neutral and non-polar, with arginine, which is basic and polar, at codon 349 of the RIPK1 protein (p.Leu349Arg). This variant is not present in population databases (gnomAD no frequency). This variant has not been reported in the literature in individuals affected with RIPK1-related conditions. ClinVar contains an entry for this variant (Variation ID: 1376892). An algorithm developed to predict the effect of missense changes on protein structure and function (PolyPhen-2) suggests that this variant is likely to be tolerated. In summary, the available evidence is currently insufficient to determine the role of this variant in disease. Therefore, it has been classified as a Variant of Uncertain Significance.

Ambry Genetics
Classification: Uncertain significance for Inborn genetic diseases. Last evaluated: 2025-04-03. Review status: criteria provided, single submitter. Criteria: Ambry Variant Classification Scheme 2023. Collection method: clinical testing. Allele origin: germline.